The following is an entry in ClinVar:

NM_001384140.1(PCDH15):c.3691G>C (p.Gly1231Arg)

Gene: PCDH15 (protocadherin related 15; minus strand). Cytogenetic location: 10q21.1.
Variant type: single nucleotide variant.
Coding change: c.3691G>C on transcript NM_001384140.1 (MANE Select); coding-DNA position 3691, G replaced by C.
Protein change: p.Gly1231Arg; replaces glycine 1231 with arginine.
Molecular consequence: missense variant.
Genome position (GRCh38, 1-based): chr10:53,866,668, C>G on the plus strand (G>C on the coding strand, the complement: PCDH15 is on the minus strand). VCF-style: chr10-53866668-C-G. GRCh37 (hg19) VCF-style: chr10-55626428-C-G.
Other names: c.3706G>C, p.Gly1236Arg (NM_001142763.2, NM_001142771.2); c.3691G>C, p.Gly1231Arg (NM_001142764.2, NM_001142766.2, NM_001142770.3 and 4 more transcripts); c.3478G>C, p.Gly1160Arg (NM_001142765.2); c.3580G>C, p.Gly1194Arg (NM_001142767.2); c.3625G>C, p.Gly1209Arg (NM_001142768.2, NM_001142773.2, NM_001354404.2); c.3727G>C, p.Gly1243Arg (NM_001142769.4); c.3712G>C, p.Gly1238Arg (NM_001354411.2); short protein forms G1231R, G1160R, G1209R, G1238R, G1194R, G1236R, G1243R.
Identifiers: ClinVar variation 2174720 (VCV002174720.3), dbSNP rs1366395465, ClinGen allele CA376516482.
Genomic context (GRCh38, chr10:53,866,668, plus strand): 5'-GCTACTTCCCTTTCCTGAAGTTTTATCTACTTACGAGTACATCGGCTTTGCCGCTCAGTC[C>G]CTTCCCATAGTCGTCAGTTGCAATAACTTGAAACTTGAAGTAGGATCTCCTCATATTATG-3'
Protein context (NP_001371069.1, residues 1221-1241): QVIATDDYGK[Gly1231Arg]LSGKADVLVS

ClinVar aggregate classification (germline): Uncertain significance (1 of 4 stars; one submission).

Allele frequency attached by ClinVar (database versions not stated): gnomAD exomes below 0.00001.
gnomAD v4.1: 3 of 1,613,582 alleles (0.00019%); highest among the groups gnomAD compares: Admixed American, 0.0033%; no homozygotes.

Submission:

Labcorp Genetics (formerly Invitae), Labcorp
Classification: Uncertain significance. Last evaluated: 2024-10-22. Review status: criteria provided, single submitter. Criteria: Invitae Variant Classification Sherloc (09022015). Collection method: clinical testing. Allele origin: germline.
Comment: This sequence change replaces glycine, which is neutral and non-polar, with arginine, which is basic and polar, at codon 1231 of the PCDH15 protein (p.Gly1231Arg). This variant is present in population databases (no rsID available, gnomAD 0.006%). This variant has not been reported in the literature in individuals affected with PCDH15-related conditions. ClinVar contains an entry for this variant (Variation ID: 2174720). Invitae Evidence Modeling of protein sequence and biophysical properties (such as structural, functional, and spatial information, amino acid conservation, physicochemical variation, residue mobility, and thermodynamic stability) has been performed for this missense variant. However, the output from this modeling did not meet the statistical confidence thresholds required to predict the impact of this variant on PCDH15 protein function. In summary, the available evidence is currently insufficient to determine the role of this variant in disease. Therefore, it has been classified as a Variant of Uncertain Significance.